The following is an entry in ClinVar:

ClinVar aggregate classification (germline): Likely pathogenic (1 of 4 stars; one submission).

Conditions:
PMM2-congenital disorder of glycosylation. Also called: PMM2-CDG; CDG Ia; JAEKEN SYNDROME; PHOSPHOMANNOMUTASE 2 DEFICIENCY; CARBOHYDRATE-DEFICIENT GLYCOPROTEIN SYNDROME, TYPE Ia; Congenital disorder of glycosylation, type Ia. Identifiers: Orphanet 79318, MedGen C0349653, MONDO:0008907, OMIM 212065.

Submission:

Labcorp Genetics (formerly Invitae), Labcorp
Classification: Likely pathogenic for PMM2-congenital disorder of glycosylation. Last evaluated: 2023-02-16. Review status: criteria provided, single submitter. Criteria: Invitae Variant Classification Sherloc (09022015). Collection method: clinical testing. Allele origin: germline.
Comment: In summary, the currently available evidence indicates that the variant is pathogenic, but additional data are needed to prove that conclusively. Therefore, this variant has been classified as Likely Pathogenic. This variant has not been reported in the literature in individuals affected with PMM2-related conditions. Information on the frequency of this variant in the gnomAD database is not available, as this variant may be reported differently in the database. This variant results in the deletion of part of exon 1 (c.66_66+1delinsTA) of the PMM2 gene. It is expected to disrupt RNA splicing. Variants that disrupt the donor or acceptor splice site typically lead to a loss of protein function (PMID: 16199547), and loss-of-function variants in PMM2 are known to be pathogenic (PMID: 19862844).

Literature cited by the submitters: PubMed 16199547; PubMed 19862844.

NM_000303.3(PMM2):c.66_66+1delinsTA

Gene: PMM2 (phosphomannomutase 2; plus strand). Cytogenetic location: 16p13.2.
Variant type: Indel.
Coding change: c.66_66+1delinsTA on transcript NM_000303.3 (MANE Select); coding-DNA position 66 through the canonical splice donor site of the intron after coding-DNA position 66, GG replaced by TA.
Molecular consequence: splice donor variant.
Genome position (GRCh38, 1-based): chr16:8,797,948-8,797,949, GG replaced by TA. VCF-style: chr16-8797948-GG-TA. GRCh37 (hg19) VCF-style: chr16-8891805-GG-TA.
Identifiers: ClinVar variation 2838165 (VCV002838165.3), dbSNP rs2549141629, ClinGen allele CA2739266583.